The following is an entry in ClinVar:

NM_000218.3(KCNQ1):c.1700T>C (p.Ile567Thr)

Gene: KCNQ1 (potassium voltage-gated channel subfamily Q member 1; plus strand). Cytogenetic location: 11p15.5.
Variant type: single nucleotide variant.
Coding change: c.1700T>C on transcript NM_000218.3 (MANE Select); coding-DNA position 1700, T replaced by C.
Protein change: p.Ile567Thr; replaces isoleucine 567 with threonine.
Molecular consequence: missense variant.
Genome position (GRCh38, 1-based): chr11:2,777,000, T>C. VCF-style: chr11-2777000-T-C. GRCh37 (hg19) VCF-style: chr11-2798230-T-C.
Other names: p.I567T:ATT>ACT; c.1700T>C (LRG_287t1); c.1604T>C, p.Ile535Thr (NM_001406836.1); c.1430T>C, p.Ile477Thr (NM_001406837.1); c.1160T>C, p.Ile387Thr (NM_001406838.1); c.1319T>C, p.Ile440Thr (NM_181798.2); short protein forms I567T, I440T, I535T, I387T, I477T.
Identifiers: ClinVar variation 53007 (VCV000053007.26), dbSNP rs199472805, ClinGen allele CA006217.

ClinVar aggregate classification (germline): Pathogenic/Likely pathogenic. Review status: criteria provided, multiple submitters, no conflicts (2 of 4 stars). 7 submissions from 7 submitters: Pathogenic (4); Likely pathogenic (2). 1 of the submissions does not count toward it. Last evaluated 2024-09-02.

Conditions:
Cardiac arrhythmia. Also called: Arrhythmia; Cardiac rhythm disease. Identifiers: MedGen C0003811, MONDO:0007263, HP:0011675.
Cardiovascular phenotype. Identifiers: MedGen CN230736.
Familial long QT syndrome (RWS). Also called: Congenital long QT syndrome; Romano-Ward syndrome; VENTRICULAR FIBRILLATION WITH PROLONGED QT INTERVAL. Identifiers: Orphanet 768, MedGen C1141890, MONDO:0019171.
Long QT syndrome (LQTS). Identifiers: MedGen C0023976, MeSH D008133, MONDO:0002442. Disease mechanism: loss of function. Inheritance: Various modes of inheritance.
Long QT syndrome 1 (LQT1). Identifiers: Orphanet 101016, Orphanet 768, MedGen C4551647, MONDO:0100316, OMIM 192500, MONDO:0008646.

Allele frequency attached by ClinVar (database versions not stated): gnomAD exomes below 0.00001.
gnomAD v4.1: 2 of 1,614,076 alleles (0.00012%); highest among the groups gnomAD compares: Non-Finnish European, 0.00017%; no homozygotes.

Submissions (7):

Labcorp Genetics (formerly Invitae), Labcorp
Classification: Pathogenic for Long QT syndrome. Last evaluated: 2024-09-02. Review status: criteria provided, single submitter. Criteria: Invitae Variant Classification Sherloc (09022015). Collection method: clinical testing. Allele origin: germline.
Comment: This sequence change replaces isoleucine, which is neutral and non-polar, with threonine, which is neutral and polar, at codon 567 of the KCNQ1 protein (p.Ile567Thr). This variant is not present in population databases (gnomAD no frequency). This missense change has been observed in individuals with clinical features of long QT syndrome (LQTs) and/or Jervell and Lange-Nielsen syndrome (JLNS) (PMID: 16414944, 19716085, 22429796, 23130128, 24372464). ClinVar contains an entry for this variant (Variation ID: 53007). Invitae Evidence Modeling of protein sequence and biophysical properties (such as structural, functional, and spatial information, amino acid conservation, physicochemical variation, residue mobility, and thermodynamic stability) has been performed for this missense variant. However, the output from this modeling did not meet the statistical confidence thresholds required to predict the impact of this variant on KCNQ1 protein function. This variant disrupts the p.Ile567 amino acid residue in KCNQ1. Other variant(s) that disrupt this residue have been determined to be pathogenic (PMID: 17470695, 22456477). This suggests that this residue is clinically significant, and that variants that disrupt this residue are likely to be disease-causing. For these reasons, this variant has been classified as Pathogenic.

Ambry Genetics
Classification: Pathogenic for Cardiovascular phenotype. Last evaluated: 2023-01-18. Review status: criteria provided, single submitter. Criteria: Ambry Variant Classification Scheme 2023. Collection method: clinical testing. Allele origin: germline.
Comment: The p.I567T pathogenic mutation (also known as c.1700T>C), located in coding exon 14 of the KCNQ1 gene, results from a T to C substitution at nucleotide position 1700. The isoleucine at codon 567 is replaced by threonine, an amino acid with similar properties. This alteration has been reported in association with long QT syndrome (LQTS) (Napolitano C, JAMA 2005 Dec; 294(23):2975-80; Kapplinger JD, Heart Rhythm 2009 Sep; 6(9):1297-303; Obeyesekere MN, J. Cardiovasc. Electrophysiol. 2012 Jun; 23(6):637-42; Wong AR et al. Med J Malaysia, 2019 Aug;74:341-343; Yee LA et al. J Am Heart Assoc, 2022 Sep;11:e025108). This alteration has also been reported as homozygous in subjects with deafness and prolonged QT (Al-Aama JY et al. Clin. Genet., 2015 Dec;87:74-9; Al-Hassnan ZN et al. Heart Rhythm, 2017 Aug;14:1191-1199). This variant is considered to be rare based on population cohorts in the Genome Aggregation Database (gnomAD). In addition, this alteration is predicted to be deleterious by in silico analysis. Based on the supporting evidence, this alteration is interpreted as a disease-causing mutation.

GeneDx
Classification: Pathogenic. Last evaluated: 2022-05-31. Review status: criteria provided, single submitter. Criteria: GeneDx Variant Classification Process June 2021. Collection method: clinical testing. Allele origin: germline. Affected: yes.
Comment: Reported in association with Long QT syndrome (Napolitano et al., 2005; Kapplinger et al., 2009; Obeyesekere et al., 2012; Crotti et al., 2012; Couderc et al., 2012; Izumi et al., 2016; Wong et al., 2019); Not observed at significant frequency in large population cohorts (gnomAD); In silico analysis supports that this missense variant has a deleterious effect on protein structure/function; This variant is associated with the following publications: (PMID: 27041096, 23130128, 25981146, 24372464, 22429796, 16414944, 28438721, 23158531, 31424047, 19716085)

Molecular Diagnostic Laboratory for Inherited Cardiovascular Disease, Montreal Heart Institute
Classification: Pathogenic for Cardiovascular phenotype. Last evaluated: 2022-02-16. Review status: criteria provided, single submitter. Criteria: ACMG Guidelines, 2015. Collection method: clinical testing. Allele origin: germline. Affected: yes.

MVZ Martinsried, Medicover Genetics
Classification: Likely pathogenic for Long QT syndrome 1. Last evaluated: 2020-09-15. Review status: criteria provided, single submitter. Criteria: ACGS Guidelines, 2020. Collection method: clinical testing. Allele origin: unknown. Affected: yes.

Color Diagnostics, LLC DBA Color Health
Classification: Likely pathogenic for Cardiac arrhythmia. Last evaluated: 2019-09-20. Review status: criteria provided, single submitter. Criteria: ACMG Guidelines, 2015. Collection method: clinical testing. Allele origin: germline.
Comment: This missense variant replaces isoleucine with threonine at codon 567 in the cytoplasmic C-terminal region of the KCNQ1 protein. Computational prediction tool suggests that this variant may have deleterious impact on protein structure and function (internally defined REVEL score threshold ≥0.7, PMID: 27666373). Splice site prediction tools suggest that this variant may not impact RNA splicing. To our knowledge, functional studies have not been performed for this variant. This variant has been reported in individuals affected with long QT syndrome (PMID: 16414944, 22429796, 23130128, 29925740, 31424047) and in an individual referred for long QT syndrome genetic testing (PMID: 19716085). This variant has been reported in the homozygous state in individuals affected with Jervell and Lange-Nielsen syndrome (PMID: 24372464). This variant has not been identified in the general population by the Genome Aggregation Database (gnomAD). Based on the available evidence, this variant is classified as Likely Pathogenic.

Cardiovascular Biomedical Research Unit, Royal Brompton & Harefield NHS Foundation Trust
No classification provided. Condition: Familial long QT syndrome. Review status: no classification provided. Collection method: literature only. Allele origin: germline. Not counted in ClinVar's aggregate classification.
Comment: This variant has been reported as associated with Long QT syndrome in the following publications (PMID:16414944;PMID:19716085;PMID:22429796). This is a literature report, and does not necessarily reflect the clinical interpretation of the Imperial College / Royal Brompton Cardiovascular Genetics laboratory.

Literature cited by the submitters: PubMed 16414944 (cited by 3 submitters); PubMed 19716085 (cited by 3 submitters); PubMed 22429796 (cited by 3 submitters); PubMed 23130128 (cited by Labcorp Genetics (formerly Invitae), Labcorp); PubMed 24372464 (cited by Labcorp Genetics (formerly Invitae), Labcorp and Ambry Genetics); PubMed 17470695 (cited by Labcorp Genetics (formerly Invitae), Labcorp); PubMed 22456477 (cited by Labcorp Genetics (formerly Invitae), Labcorp); PubMed 23158531 (cited by Ambry Genetics); PubMed 28438721 (cited by Ambry Genetics); PubMed 31424047 (cited by Ambry Genetics); PubMed 34505893 (cited by Ambry Genetics); PubMed 36102233 (cited by Ambry Genetics); PubMed 22581653 (cited by Cardiovascular Biomedical Research Unit, Royal Brompton & Harefield NHS Foundation Trust).